The following is an entry in ClinVar:

NM_020937.4(FANCM):c.710A>G (p.Asn237Ser)

Gene: FANCM (FA complementation group M; plus strand). Cytogenetic location: 14q21.2.
Variant type: single nucleotide variant.
Coding change: c.710A>G on transcript NM_020937.4 (MANE Select); coding-DNA position 710, A replaced by G.
Protein change: p.Asn237Ser; replaces asparagine 237 with serine.
Molecular consequence: missense variant. On other transcripts: intron variant (1).
Genome position (GRCh38, 1-based): chr14:45,140,660, A>G. VCF-style: chr14-45140660-A-G. GRCh37 (hg19) VCF-style: chr14-45609863-A-G.
Other names: c.710A>G, p.Asn237Ser (NM_001308134.2); c.681+3419A>G (NM_001308133.2); short protein forms N237S.
Identifiers: ClinVar variation 1011122 (VCV001011122.8), dbSNP rs760977059, ClinGen allele CA259605784.
Genomic context (GRCh38, chr14:45,140,660, plus strand): 5'-AGATGAAACTAAAGAACTTTTTTTTTCTTAAGGTTGTAAGAGAACTAGTCAAATATACAA[A>G]TCACTTTAGAATCTTGGCTCTAAGTGCCACACCAGGTAGTGATATAAAGGTAAGTAAAAT-3'
Protein context (NP_065988.1, residues 227-247): QVVRELVKYT[Asn237Ser]HFRILALSAT

ClinVar aggregate classification (germline): Uncertain significance (1 of 4 stars; one submission).

Conditions:
Fanconi anemia (FA). Also called: Fanconi's anemia. Identifiers: Orphanet 84, MedGen C0015625, MeSH D005199, MONDO:0019391.

Allele frequency attached by ClinVar (database versions not stated): gnomAD exomes 0.00001; TOPMed 0.00001.
gnomAD v4.1: 15 of 1,603,646 alleles (0.00094%); highest among the groups gnomAD compares: Non-Finnish European, 0.0013%; no homozygotes.

Submission:

Labcorp Genetics (formerly Invitae), Labcorp
Classification: Uncertain significance for Fanconi anemia. Last evaluated: 2020-05-21. Review status: criteria provided, single submitter. Criteria: Invitae Variant Classification Sherloc (09022015). Collection method: clinical testing. Allele origin: germline.
Comment: In summary, the available evidence is currently insufficient to determine the role of this variant in disease. Therefore, it has been classified as a Variant of Uncertain Significance. Algorithms developed to predict the effect of missense changes on protein structure and function (SIFT, PolyPhen-2, Align-GVGD) all suggest that this variant is likely to be tolerated, but these predictions have not been confirmed by published functional studies and their clinical significance is uncertain. This variant has not been reported in the literature in individuals with FANCM-related conditions. This variant is not present in population databases (ExAC no frequency). This sequence change replaces asparagine with serine at codon 237 of the FANCM protein (p.Asn237Ser). The asparagine residue is weakly conserved and there is a small physicochemical difference between asparagine and serine.